The following is an entry in ClinVar:

ClinVar aggregate classification (germline): Pathogenic (0 of 4 stars; one submission).

Conditions:
Alkaptonuria (AKU). Also called: Alkaptonuric ochronosis; Homogentisic acidura; Alcaptonuria; HOMOGENTISIC ACID OXIDASE DEFICIENCY. Identifiers: Orphanet 56, MedGen C0002066, MONDO:0008753, OMIM 203500.

gnomAD v4.1: 2 of 1,546,358 alleles (0.00013%); highest among the groups gnomAD compares: Non-Finnish European, 0.00018%; no homozygotes.

Submission:

Department Of Human Genetics, Institute Of Clinical And Translational Research, Biomedical Research Center, Slovak Academy Of Sciences
Classification: Pathogenic for Alkaptonuria. Review status: no assertion criteria provided. Collection method: research. Allele origin: germline. Inheritance: Autosomal recessive inheritance. Affected: yes. Observed: 3 variant alleles.
Comment: The variant was originally described in AKU patient in PMID:10205262. It has been submitted to the HGD gene mutation database (DB-ID: AKU_00016).

Literature cited by the submitters: PubMed 10205262.

NM_000187.4(HGD):c.178T>G (p.Trp60Gly)

Gene: HGD (homogentisate 1,2-dioxygenase; minus strand). Cytogenetic location: 3q13.33.
Variant type: single nucleotide variant.
Coding change: c.178T>G on transcript NM_000187.4 (MANE Select); coding-DNA position 178, T replaced by G.
Protein change: p.Trp60Gly; replaces tryptophan 60 with glycine.
Molecular consequence: missense variant.
Genome position (GRCh38, 1-based): chr3:120,670,531, A>C on the plus strand (T>G on the coding strand, the complement: HGD is on the minus strand). VCF-style: chr3-120670531-A-C. GRCh37 (hg19) VCF-style: chr3-120389378-A-C.
Other names: short protein forms W60G.
Identifiers: ClinVar variation 2626821 (VCV002626821.1), dbSNP rs775113388, ClinGen allele CA354081607.
Genomic context (GRCh38, chr3:120,670,531, plus strand): 5'-GGCCTTCGTCAATGGATTCAAAGGGCTTGTGAGAAACTGAAGGTAGAATCCTATACAGCC[A>C]GCTAGAGGGAAAAACATACAAGATATACAAGCCTTAGAGTAATGTTCTGAGTGATACACA-3'
Protein context (NP_000178.2, residues 50-70): TCPRSTNKRS[Trp60Gly]LYRILPSVSH